The following is an entry in ClinVar:

ClinVar aggregate classification (germline): Uncertain significance (1 of 4 stars; one submission).

Allele frequency attached by ClinVar (database versions not stated): gnomAD exomes below 0.00001.
gnomAD v4.1: 1 of 1,613,764 alleles (0.000062%); highest among the groups gnomAD compares: Non-Finnish European, 0.000085%; no homozygotes.

Submission:

GeneDx
Classification: Uncertain significance. Last evaluated: 2019-07-25. Review status: criteria provided, single submitter. Criteria: GeneDx Variant Classification Process June 2021. Collection method: clinical testing. Allele origin: germline. Affected: yes.
Comment: Has not been previously published as pathogenic or benign to our knowledge; Not observed in large population cohorts (Lek et al., 2016); In silico analysis, which includes protein predictors and evolutionary conservation, supports a deleterious effect

NM_000393.5(COL5A2):c.2522C>T (p.Pro841Leu)

Gene: COL5A2 (collagen type V alpha 2 chain; minus strand). Cytogenetic location: 2q32.2.
Variant type: single nucleotide variant.
Coding change: c.2522C>T on transcript NM_000393.5 (MANE Select); coding-DNA position 2522, C replaced by T.
Protein change: p.Pro841Leu; replaces proline 841 with leucine.
Molecular consequence: missense variant.
Genome position (GRCh38, 1-based): chr2:189,053,455, G>A on the plus strand (C>T on the coding strand, the complement: COL5A2 is on the minus strand). VCF-style: chr2-189053455-G-A. GRCh37 (hg19) VCF-style: chr2-189918181-G-A.
Other names: short protein forms P841L.
Identifiers: ClinVar variation 1307435 (VCV001307435.2), dbSNP rs2105565020, ClinGen allele CA349871766.